The following is an entry in ClinVar:

NM_021927.3(GUF1):c.993G>A (p.Ala331=)

Gene: GUF1 (GTP binding elongation factor GUF1; plus strand). Cytogenetic location: 4p12.
Variant type: single nucleotide variant.
Coding change: c.993G>A on transcript NM_021927.3 (MANE Select); coding-DNA position 993, G replaced by A.
Protein change: p.Ala331=; no amino-acid change (alanine 331 retained).
Molecular consequence: synonymous variant.
Genome position (GRCh38, 1-based): chr4:44,688,061, G>A. VCF-style: chr4-44688061-G-A. GRCh37 (hg19) VCF-style: chr4-44690078-G-A.
Other names: c.21G>A, p.Ala7= (NM_001345867.2, NM_001345869.2); c.993G>A, p.Ala331= (NM_001345868.2); c.993G>A (NM_021927.2).
Identifiers: ClinVar variation 2172781 (VCV002172781.7), dbSNP rs772717106, ClinGen allele CA2905500.

ClinVar aggregate classification (germline): Likely benign. Review status: criteria provided, multiple submitters, no conflicts (2 of 4 stars). 3 submissions from 3 submitters: Likely benign (2). 1 of the submissions does not count toward it. Last evaluated 2025-04-08.

Conditions:
GUF1-related disorder. Also called: GUF1-related condition.

Allele frequency attached by ClinVar (database versions not stated): gnomAD exomes 0.00001; ExAC 0.00002; gnomAD 0.00003.

Submissions (3):

Labcorp Genetics (formerly Invitae), Labcorp
Classification: Likely benign. Last evaluated: 2025-04-08. Review status: criteria provided, single submitter. Criteria: Invitae Variant Classification Sherloc (09022015). Collection method: clinical testing. Allele origin: germline.

Blueprint Genetics
Classification: Likely benign. Last evaluated: 2022-12-09. Review status: criteria provided, single submitter. Criteria: ACMG Guidelines, 2015. Collection method: clinical testing. Allele origin: germline.

PreventionGenetics, part of Exact Sciences
Classification: Likely benign for GUF1-related condition. Last evaluated: 2020-02-24. Review status: no assertion criteria provided. Collection method: clinical testing. Allele origin: germline. Not counted in ClinVar's aggregate classification.
Comment: This variant is classified as likely benign based on ACMG/AMP sequence variant interpretation guidelines (Richards et al. 2015 PMID: 25741868, with internal and published modifications).